The following is an entry in ClinVar:

ClinVar aggregate classification (germline): Uncertain significance (1 of 4 stars; one submission).

Conditions:
Hereditary cancer-predisposing syndrome. Also called: Tumor predisposition; Hereditary neoplastic syndrome; Neoplastic Syndromes, Hereditary; Hereditary Cancer Syndrome. Identifiers: Orphanet 140162, MedGen C0027672, MeSH D009386, MONDO:0015356.

Submission:

Ambry Genetics
Classification: Uncertain significance for Hereditary cancer-predisposing syndrome. Last evaluated: 2025-05-02. Review status: criteria provided, single submitter. Criteria: Ambry Variant Classification Scheme 2023. Collection method: clinical testing. Allele origin: germline.
Comment: The p.T247I variant (also known as c.740C>T), located in coding exon 6 of the DICER1 gene, results from a C to T substitution at nucleotide position 740. The threonine at codon 247 is replaced by isoleucine, an amino acid with similar properties. This amino acid position is conserved. In addition, this alteration is predicted to be tolerated by in silico analysis. Based on the available evidence, the clinical significance of this variant remains unclear.

NM_177438.3(DICER1):c.740C>T (p.Thr247Ile)

Gene: DICER1 (dicer 1, ribonuclease III; minus strand). Cytogenetic location: 14q32.13.
Variant type: single nucleotide variant.
Coding change: c.740C>T on transcript NM_177438.3 (MANE Select); coding-DNA position 740, C replaced by T.
Protein change: p.Thr247Ile; replaces threonine 247 with isoleucine.
Molecular consequence: missense variant. On other transcripts: 5 prime UTR variant (1), non-coding transcript variant (6).
Genome position (GRCh38, 1-based): chr14:95,126,743, G>A on the plus strand (C>T on the coding strand, the complement: DICER1 is on the minus strand). VCF-style: chr14-95126743-G-A. GRCh37 (hg19) VCF-style: chr14-95593080-G-A.
Other names: c.740C>T, p.Thr247Ile (NM_001195573.1, NM_001395695.1, NM_001395699.1 and 14 more transcripts); c.335C>T, p.Thr112Ile (NM_001395696.1, NM_001395698.1, NM_001395687.1 and 3 more transcripts); c.-829C>T (NM_001395697.1); c.458C>T, p.Thr153Ile (NM_001395686.1); c.173C>T, p.Thr58Ile (NM_001395691.1); short protein forms T112I, T247I, T153I, T58I.
Identifiers: ClinVar variation 4011651 (VCV004011651.1).